The following is an entry in ClinVar:

ClinVar aggregate classification (germline): Uncertain significance (1 of 4 stars; one submission).

Allele frequency attached by ClinVar (database versions not stated): gnomAD exomes below 0.00001.
gnomAD v4.1: 6 of 1,605,468 alleles (0.00037%); highest among the groups gnomAD compares: Non-Finnish European, 0.00051%; no homozygotes.

Submission:

Labcorp Genetics (formerly Invitae), Labcorp
Classification: Uncertain significance. Last evaluated: 2023-02-22. Review status: criteria provided, single submitter. Criteria: Invitae Variant Classification Sherloc (09022015). Collection method: clinical testing. Allele origin: germline.
Comment: In summary, the available evidence is currently insufficient to determine the role of this variant in disease. Therefore, it has been classified as a Variant of Uncertain Significance. Variants that disrupt the consensus splice site are a relatively common cause of aberrant splicing (PMID: 17576681, 9536098). Algorithms developed to predict the effect of sequence changes on RNA splicing suggest that this variant may create or strengthen a splice site. An algorithm developed to predict the effect of missense changes on protein structure and function (PolyPhen-2) suggests that this variant is likely to be disruptive. This variant has not been reported in the literature in individuals affected with AP3D1-related conditions. This variant is not present in population databases (gnomAD no frequency). This sequence change replaces glycine, which is neutral and non-polar, with aspartic acid, which is acidic and polar, at codon 620 of the AP3D1 protein (p.Gly620Asp). This variant also falls at the last nucleotide of exon 16, which is part of the consensus splice site for this exon.

Literature cited by the submitters: PubMed 17576681; PubMed 9536098.

NM_001261826.3(AP3D1):c.1859G>A (p.Gly620Asp)

Gene: AP3D1 (adaptor related protein complex 3 subunit delta 1; minus strand). Cytogenetic location: 19p13.3.
Variant type: single nucleotide variant.
Coding change: c.1859G>A on transcript NM_001261826.3 (MANE Select); coding-DNA position 1859, G replaced by A.
Protein change: p.Gly620Asp; replaces glycine 620 with aspartic acid.
Molecular consequence: missense variant.
Genome position (GRCh38, 1-based): chr19:2,117,222, C>T on the plus strand (G>A on the coding strand, the complement: AP3D1 is on the minus strand). VCF-style: chr19-2117222-C-T. GRCh37 (hg19) VCF-style: chr19-2117221-C-T.
Other names: c.1859G>A, p.Gly620Asp (NM_001374799.1, NM_003938.8); short protein forms G620D.
Identifiers: ClinVar variation 2964502 (VCV002964502.3), dbSNP rs1568283485, ClinGen allele CA403219082.